The following is an entry in ClinVar:

ClinVar aggregate classification (germline): Uncertain significance (1 of 4 stars; one submission).

Submission:

Labcorp Genetics (formerly Invitae), Labcorp
Classification: Uncertain significance. Last evaluated: 2022-08-22. Review status: criteria provided, single submitter. Criteria: Invitae Variant Classification Sherloc (09022015). Collection method: clinical testing. Allele origin: germline.
Comment: This sequence change replaces proline, which is neutral and non-polar, with threonine, which is neutral and polar, at codon 117 of the ESPN protein (p.Pro117Thr). This variant is not present in population databases (gnomAD no frequency). This variant has not been reported in the literature in individuals affected with ESPN-related conditions. Algorithms developed to predict the effect of missense changes on protein structure and function are either unavailable or do not agree on the potential impact of this missense change (SIFT: "Tolerated"; PolyPhen-2: "Probably Damaging"; Align-GVGD: "Class C0"). In summary, the available evidence is currently insufficient to determine the role of this variant in disease. Therefore, it has been classified as a Variant of Uncertain Significance.

NM_031475.3(ESPN):c.349C>A (p.Pro117Thr)

Gene: ESPN (espin; plus strand). Cytogenetic location: 1p36.31.
Variant type: single nucleotide variant.
Coding change: c.349C>A on transcript NM_031475.3 (MANE Select); coding-DNA position 349, C replaced by A.
Protein change: p.Pro117Thr; replaces proline 117 with threonine.
Molecular consequence: missense variant.
Genome position (GRCh38, 1-based): chr1:6,428,280, C>A. VCF-style: chr1-6428280-C-A. GRCh37 (hg19) VCF-style: chr1-6488340-C-A.
Other names: c.349C>A, p.Pro117Thr (NM_001367473.1, NM_001367474.1); short protein forms P117T.
Identifiers: ClinVar variation 1717694 (VCV001717694.3), dbSNP rs2522727505, ClinGen allele CA338086071.